The following is an entry in ClinVar:

NM_152281.3(GORAB):c.257C>T (p.Pro86Leu)

Gene: GORAB (golgin, RAB6 interacting; plus strand). Cytogenetic location: 1q24.2.
Variant type: single nucleotide variant.
Coding change: c.257C>T on transcript NM_152281.3 (MANE Select); coding-DNA position 257, C replaced by T.
Protein change: p.Pro86Leu; replaces proline 86 with leucine.
Molecular consequence: missense variant. On other transcripts: 5 prime UTR variant (1), non-coding transcript variant (1).
Genome position (GRCh38, 1-based): chr1:170,539,405, C>T. VCF-style: chr1-170539405-C-T. GRCh37 (hg19) VCF-style: chr1-170508546-C-T.
Other names: c.257C>T, p.Pro86Leu (NM_001146039.2); c.-209C>T (NM_001320252.2); c.332C>T (NM_152281.2); short protein forms P86L.
Identifiers: ClinVar variation 1448618 (VCV001448618.5), dbSNP rs374614330, ClinGen allele CA1239073.
Genomic context (GRCh38, chr1:170,539,405, plus strand): 5'-TTTCAGCACCAAAACAGAGAGTTAACGTTCAAAAACCACCTTTTTCTTCCCCTACTCTTC[C>T]GAGTCATTTCACTCTCACCTCCCCCGTTGGTGATGGACAACCACAGGGCATTGAAAGTCA-3'
Protein context (NP_689494.3, residues 76-96): QKPPFSSPTL[Pro86Leu]SHFTLTSPVG

ClinVar aggregate classification (germline): Uncertain significance. Review status: criteria provided, multiple submitters, no conflicts (2 of 4 stars). 2 submissions from 2 submitters: Uncertain significance (2). Last evaluated 2024-05-09.

Conditions:
Inborn genetic diseases. Identifiers: MedGen C0950123, MeSH D030342.

Allele frequency attached by ClinVar (database versions not stated): gnomAD exomes 0.00004; ESP Exome Variant Server 0.00008; gnomAD 0.00011; ExAC 0.00004.
gnomAD v4.1: 40 of 1,613,978 alleles (0.0025%); highest among the groups gnomAD compares: African/African-American, 0.041%; no homozygotes.

Submissions (3):

Ambry Genetics
Classification: Uncertain significance for Inborn genetic diseases. Last evaluated: 2024-05-09. Review status: criteria provided, single submitter. Criteria: Ambry Variant Classification Scheme 2023. Collection method: clinical testing. Allele origin: germline.

Labcorp Genetics (formerly Invitae), Labcorp
Classification: Uncertain significance. Last evaluated: 2021-11-27. Review status: criteria provided, single submitter. Criteria: Invitae Variant Classification Sherloc (09022015). Collection method: clinical testing. Allele origin: germline.
Comment: This sequence change replaces proline, which is neutral and non-polar, with leucine, which is neutral and non-polar, at codon 111 of the GORAB protein (p.Pro111Leu). This variant is present in population databases (rs374614330, gnomAD 0.04%). This variant has not been reported in the literature in individuals affected with GORAB-related conditions. Algorithms developed to predict the effect of missense changes on protein structure and function are either unavailable or do not agree on the potential impact of this missense change (SIFT: "Deleterious"; PolyPhen-2: "Benign"; Align-GVGD: "Class C0"). In summary, the available evidence is currently insufficient to determine the role of this variant in disease. Therefore, it has been classified as a Variant of Uncertain Significance.

Dr. Peter K. Rogan Lab, Western University
No classification provided (evidence only). Condition: Colon adenocarcinoma. Review status: no classification provided. Collection method: in vitro. Allele origin: not applicable. Functional consequence: skipped exon. Not counted in ClinVar's aggregate classification.